The following is an entry in ClinVar:

ClinVar aggregate classification (germline): Uncertain significance (1 of 4 stars; one submission).

Conditions:
Hyperekplexia 3 (HKPX3). Also called: HYPEREKPLEXIA 3, AUTOSOMAL RECESSIVE; HYPEREKPLEXIA 3, AUTOSOMAL DOMINANT. Identifiers: Orphanet 3197, MedGen C3553288, MONDO:0013827, OMIM 614618.

gnomAD v4.1: 15 of 1,614,142 alleles (0.00093%); highest among the groups gnomAD compares: Admixed American, 0.0083%; no homozygotes.

Submission:

Labcorp Genetics (formerly Invitae), Labcorp
Classification: Uncertain significance for Hyperekplexia 3. Last evaluated: 2024-01-15. Review status: criteria provided, single submitter. Criteria: Invitae Variant Classification Sherloc (09022015). Collection method: clinical testing. Allele origin: germline.
Comment: This sequence change replaces threonine, which is neutral and polar, with isoleucine, which is neutral and non-polar, at codon 508 of the SLC6A5 protein (p.Thr508Ile). This variant is present in population databases (no rsID available, gnomAD 0.003%). This variant has not been reported in the literature in individuals affected with SLC6A5-related conditions. ClinVar contains an entry for this variant (Variation ID: 1413027). Advanced modeling of protein sequence and biophysical properties (such as structural, functional, and spatial information, amino acid conservation, physicochemical variation, residue mobility, and thermodynamic stability) performed at Invitae indicates that this missense variant is not expected to disrupt SLC6A5 protein function with a negative predictive value of 95%. In summary, the available evidence is currently insufficient to determine the role of this variant in disease. Therefore, it has been classified as a Variant of Uncertain Significance.

NM_004211.5(SLC6A5):c.1523C>T (p.Thr508Ile)

Gene: SLC6A5 (solute carrier family 6 member 5; plus strand). Cytogenetic location: 11p15.1.
Variant type: single nucleotide variant.
Coding change: c.1523C>T on transcript NM_004211.5 (MANE Select); coding-DNA position 1523, C replaced by T.
Protein change: p.Thr508Ile; replaces threonine 508 with isoleucine.
Molecular consequence: missense variant.
Genome position (GRCh38, 1-based): chr11:20,630,714, C>T. VCF-style: chr11-20630714-C-T. GRCh37 (hg19) VCF-style: chr11-20652260-C-T.
Other names: c.821C>T, p.Thr274Ile (NM_001318369.2); short protein forms T508I, T274I.
Identifiers: ClinVar variation 1413027 (VCV001413027.4), dbSNP rs143730018, ClinGen allele CA218740973.
Genomic context (GRCh38, chr11:20,630,714, plus strand): 5'-GCACACCTAATGGAAAACTCTGGTCTCTTCCTTCCAGGGACACTCTAATTGTCACCTGCA[C>T]CAACAGTGCCACAAGCATCTTTGCCGGCTTCGTCATCTTCTCCGTTATCGGCTTCATGGC-3'
Protein context (NP_004202.4, residues 498-518): CYRDTLIVTC[Thr508Ile]NSATSIFAGF